The following is an entry in ClinVar:

NM_147127.5(EVC2):c.1639del (p.Ser547fs)

Gene: EVC2 (EvC ciliary complex subunit 2; minus strand). Cytogenetic location: 4p16.2.
Variant type: Deletion.
Coding change: c.1639del on transcript NM_147127.5 (MANE Select); coding-DNA position 1639, one base deleted (A; older notation c.1639delA).
Protein change: p.Ser547fs; shifts the reading frame from serine 547.
Molecular consequence: frameshift variant.
Genome position (GRCh38, 1-based): chr4:5,631,864, T deleted on the plus strand (A on the coding strand, the reverse complement: EVC2 is on the minus strand); the first of 5 consecutive T bases (chr4:5,631,864-5,631,868); deleting any one gives the same sequence. VCF-style (leftmost placement, unchanged base first): chr4-5631863-CT-C. GRCh37 (hg19) VCF-style: chr4-5633590-CT-C.
Other names: c.1399del, p.Ser467fs (NM_001166136.2); c.1639delA (NM_147127.5); short protein forms S467fs, S547fs.
Identifiers: ClinVar variation 1679881 (VCV001679881.4), dbSNP rs2108851441, ClinGen allele CA645523436.
Genomic context (GRCh38, chr4:5,631,863, plus strand): 5'-GAATAATTTTGCAGCAGCATTTTAGCTGCCTCTGGTTTCAATTCCCCTTTGAAAATAGCA[CT>C]TTTTATCTGGGTAAAAAAGATACTGTGCAGTTCATTTCTCTGGAAAACAGCCAGCTGTCT-3'

ClinVar aggregate classification (germline): Pathogenic. Review status: criteria provided, multiple submitters, no conflicts (2 of 4 stars). 2 submissions from 2 submitters: Pathogenic (2). Last evaluated 2023-11-18.

Conditions:
Ellis-van Creveld syndrome (EVC). Also called: MESOECTODERMAL DYSPLASIA; Chondroectodermal dysplasia. Identifiers: Orphanet 289, MedGen C0013903, MONDO:0009162, OMIM 225500.

Submissions (2):

Myriad Genetics, Inc.
Classification: Pathogenic for Ellis-van Creveld syndrome. Last evaluated: 2023-11-18. Review status: criteria provided, single submitter. Criteria: Myriad Autosomal Dominant, Autosomal Recessive and X-Linked Classification Criteria (2023). Collection method: clinical testing. Allele origin: unknown.
Comment: NM_147127.4(EVC2):c.1639delA(S547Vfs*8) is expected to be pathogenic in the context of EVC2-related Ellis-van Creveld syndrome. This variant is predicted to lead to an abnormal or absent protein product due to the creation of a premature termination codon in EVC2, a gene where loss-of-function variants are known to be pathogenic. Please note: this variant was assessed in the context of healthy population screening.

Kasturba Medical College, Manipal, Kasturba Medical College, Manipal, Manipal Academy of Higher Education, Manipal, India
Classification: Pathogenic for Ellis-van Creveld syndrome. Last evaluated: 2022-05-09. Review status: criteria provided, single submitter. Criteria: ACMG Guidelines, 2015. Collection method: clinical testing. Allele origin: germline. Affected: yes.